The following is an entry in ClinVar:

ClinVar aggregate classification (germline): Pathogenic (1 of 4 stars; one submission).

Conditions:
Leukocyte adhesion deficiency 1 (LAD1). Also called: LAD 1; Lymphocyte function-associated antigen 1 immunodeficiency; LFA 1 immunodeficiency; LEUKOCYTE ADHESION DEFICIENCY, TYPE I. Identifiers: Orphanet 2968, Orphanet 99842, MedGen C0398738, MONDO:0007293, OMIM 116920.

Allele frequency attached by ClinVar (database versions not stated): TOPMed below 0.00001.

Submission:

Labcorp Genetics (formerly Invitae), Labcorp
Classification: Pathogenic for Leukocyte adhesion deficiency 1. Last evaluated: 2024-08-16. Review status: criteria provided, single submitter. Criteria: Invitae Variant Classification Sherloc (09022015). Collection method: clinical testing. Allele origin: germline.
Comment: This sequence change creates a premature translational stop signal (p.Trp252Glyfs*28) in the ITGB2 gene. It is expected to result in an absent or disrupted protein product. Loss-of-function variants in ITGB2 are known to be pathogenic (PMID: 22134107, 25703682). This variant is not present in population databases (gnomAD no frequency). This variant has not been reported in the literature in individuals affected with ITGB2-related conditions. ClinVar contains an entry for this variant (Variation ID: 964773). For these reasons, this variant has been classified as Pathogenic.

Literature cited by the submitters: PubMed 22134107; PubMed 25703682.

NM_000211.5(ITGB2):c.753del (p.Trp252fs)

Gene: ITGB2 (integrin subunit beta 2; minus strand). Cytogenetic location: 21q22.3.
Variant type: Deletion.
Coding change: c.753del on transcript NM_000211.5 (MANE Select); coding-DNA position 753, one base deleted (C; older notation c.753delC).
Protein change: p.Trp252fs; shifts the reading frame from tryptophan 252.
Molecular consequence: frameshift variant.
Genome position (GRCh38, 1-based): chr21:44,900,464, G deleted on the plus strand (C on the coding strand, the reverse complement: ITGB2 is on the minus strand). VCF-style (leftmost placement, unchanged base first): chr21-44900463-AG-A. GRCh37 (hg19) VCF-style: chr21-46320378-AG-A.
Other names: c.753del, p.Trp252fs (NM_001127491.3); c.546del, p.Trp183fs (NM_001303238.2); short protein forms W183fs, W252fs.
Identifiers: ClinVar variation 964773 (VCV000964773.8), dbSNP rs1349812924, ClinGen allele CA749744733.